The following is an entry in ClinVar:

NM_015991.4(C1QA):c.735C>T (p.Ala245=)

Gene: C1QA (complement C1q A chain; plus strand). Cytogenetic location: 1p36.12.
Variant type: single nucleotide variant.
Coding change: c.735C>T on transcript NM_015991.4 (MANE Select); coding-DNA position 735, C replaced by T.
Protein change: p.Ala245=; no amino-acid change (alanine 245 retained).
Molecular consequence: synonymous variant.
Genome position (GRCh38, 1-based): chr1:22,639,404, C>T. VCF-style: chr1-22639404-C-T. GRCh37 (hg19) VCF-style: chr1-22965897-C-T.
Other names: p.Ala245=; c.735C>T, p.Ala245= (NM_001347465.2, NM_001347466.2).
Identifiers: ClinVar variation 790478 (VCV000790478.12), dbSNP rs35138344, ClinGen allele CA677830.

ClinVar aggregate classification (germline): Benign/Likely benign. Review status: criteria provided, multiple submitters, no conflicts (2 of 4 stars). 3 submissions from 3 submitters: Benign (2); Likely benign (1). Last evaluated 2026-02-01.

Allele frequency attached by ClinVar (database versions not stated): gnomAD exomes 0.00043; ExAC 0.00051; 1000 Genomes Project 30x 0.00094; 1000 Genomes Project 0.00100; ESP Exome Variant Server 0.00154; gnomAD 0.00156 and 0.00168; TOPMed 0.00179.
gnomAD v4.1: 474 of 1,613,202 alleles (0.029%); highest among the groups gnomAD compares: African/African-American, 0.55%; 5 homozygotes.

Submissions (3):

Labcorp Genetics (formerly Invitae), Labcorp
Classification: Benign. Last evaluated: 2026-02-01. Review status: criteria provided, single submitter. Criteria: Invitae Variant Classification Sherloc (09022015). Collection method: clinical testing. Allele origin: germline.

Mayo Clinic Laboratories, Mayo Clinic
Classification: Benign. Last evaluated: 2025-09-23. Review status: criteria provided, single submitter. Criteria: ACMG Guidelines, 2015. Collection method: clinical testing. Allele origin: germline. Observed: 1 variant allele.
Comment: BS1, BS2, BP4, BP7

Blueprint Genetics
Classification: Likely benign. Last evaluated: 2024-08-28. Review status: criteria provided, single submitter. Criteria: ACMG Guidelines, 2015. Collection method: clinical testing. Allele origin: germline.